The following is an entry in ClinVar:

ClinVar aggregate classification (germline): Uncertain significance (1 of 4 stars; one submission).

Submission:

Labcorp Genetics (formerly Invitae), Labcorp
Classification: Uncertain significance. Last evaluated: 2023-03-20. Review status: criteria provided, single submitter. Criteria: Invitae Variant Classification Sherloc (09022015). Collection method: clinical testing. Allele origin: germline.
Comment: This sequence change replaces threonine, which is neutral and polar, with alanine, which is neutral and non-polar, at codon 875 of the KAT6A protein (p.Thr875Ala). This variant is not present in population databases (gnomAD no frequency). This variant has not been reported in the literature in individuals affected with KAT6A-related conditions. Algorithms developed to predict the effect of missense changes on protein structure and function output the following: SIFT: "Not Available"; PolyPhen-2: "Benign"; Align-GVGD: "Not Available". The alanine amino acid residue is found in multiple mammalian species, which suggests that this missense change does not adversely affect protein function. In summary, the available evidence is currently insufficient to determine the role of this variant in disease. Therefore, it has been classified as a Variant of Uncertain Significance.

NM_006766.5(KAT6A):c.2623A>G (p.Thr875Ala)

Gene: KAT6A (lysine acetyltransferase 6A; minus strand). Cytogenetic location: 8p11.21.
Variant type: single nucleotide variant.
Coding change: c.2623A>G on transcript NM_006766.5 (MANE Select); coding-DNA position 2623, A replaced by G.
Protein change: p.Thr875Ala; replaces threonine 875 with alanine.
Molecular consequence: missense variant.
Genome position (GRCh38, 1-based): chr8:41,941,258, T>C on the plus strand (A>G on the coding strand, the complement: KAT6A is on the minus strand). VCF-style: chr8-41941258-T-C. GRCh37 (hg19) VCF-style: chr8-41798776-T-C.
Other names: short protein forms T875A.
Identifiers: ClinVar variation 2847946 (VCV002847946.3), dbSNP rs2486771699, ClinGen allele CA371072025.